The following is an entry in ClinVar:

NM_000016.6(ACADM):c.701G>C (p.Gly234Ala)

Gene: ACADM (acyl-CoA dehydrogenase medium chain; plus strand). Cytogenetic location: 1p31.1.
Variant type: single nucleotide variant.
Coding change: c.701G>C on transcript NM_000016.6 (MANE Select); coding-DNA position 701, G replaced by C.
Protein change: p.Gly234Ala; replaces glycine 234 with alanine.
Molecular consequence: missense variant.
Genome position (GRCh38, 1-based): chr1:75,745,907, G>C. VCF-style: chr1-75745907-G-C. GRCh37 (hg19) VCF-style: chr1-76211592-G-C.
Other names: c.713G>C, p.Gly238Ala (NM_001127328.3); c.593G>C, p.Gly198Ala (NM_001286042.2); c.800G>C, p.Gly267Ala (NM_001286043.2); c.134G>C, p.Gly45Ala (NM_001286044.2); short protein forms G198A, G234A, G238A, G267A, G45A.
Identifiers: ClinVar variation 4815868 (VCV004815868.1).
Genomic context (GRCh38, chr1:75,745,907, plus strand): 5'-CTGCTAATAAAGCCTTTACTGGATTCATTGTGGAAGCAGATACCCCAGGAATTCAGATTG[G>C]GAGAAAGGTAAAGTATTTATTAATGATTAGGGCCCCAAATATTATTTTAATTATAAATTG-3'
Protein context (NP_000007.1, residues 224-244): VEADTPGIQI[Gly234Ala]RKELNMGQRC

ClinVar aggregate classification (germline): Likely pathogenic (1 of 4 stars; one submission).

Conditions:
Medium-chain acyl-coenzyme A dehydrogenase deficiency (ACADMD). Also called: MCAD Deficiency; CARNITINE DEFICIENCY SECONDARY TO MEDIUM-CHAIN ACYL-CoA DEHYDROGENASE DEFICIENCY; MCADH DEFICIENCY; ACADM DEFICIENCY; MCADD; Medium chain acyl-CoA dehydrogenase deficiency. Identifiers: Orphanet 42, MedGen C0220710, MONDO:0008721, OMIM 201450.

gnomAD v4.1: 1 of 1,607,822 alleles (0.000062%); highest among the groups gnomAD compares: Non-Finnish European, 0.000085%; no homozygotes.

Submission:

Natera, Inc.
Classification: Likely pathogenic for Medium Chain Acyl-CoA Dehydrogenase Deficiency. Last evaluated: 2025-09-09. Review status: criteria provided, single submitter. Criteria: Natera Variant Classification Schema (03/2026). Collection method: clinical testing. Allele origin: germline.
Comment: The c.701G>C variant in ACADM is a missense variant predicted to cause substitution of glycine to alanine at amino acid 234. This variant is rare in the general population with a frequency below the threshold expected for the associated phenotype(s). This variant has been observed in one or more individuals affected with the associated recessive disease, as either homozygous or compound heterozygous with a second variant (PMID: 33580884). This variant has been identified in one or more affected individuals with a phenotype highly consistent with the associated gene (PMID: 33580884). Computational prediction algorithms indicate this variant is likely to affect gene or protein function. Given the available evidence, this variant is classified as Likely Pathogenic.

Literature cited by the submitters: PubMed 33580884.